The following is an entry in ClinVar:

NM_012200.4(B3GAT3):c.95A>G (p.Asp32Gly)

Gene: B3GAT3 (beta-1,3-glucuronyltransferase 3; minus strand). Cytogenetic location: 11q12.3.
Variant type: single nucleotide variant.
Coding change: c.95A>G on transcript NM_012200.4 (MANE Select); coding-DNA position 95, A replaced by G.
Protein change: p.Asp32Gly; replaces aspartic acid 32 with glycine.
Molecular consequence: missense variant. On other transcripts: non-coding transcript variant (1).
Genome position (GRCh38, 1-based): chr11:62,620,659, T>C on the plus strand (A>G on the coding strand, the complement: B3GAT3 is on the minus strand). VCF-style: chr11-62620659-T-C. GRCh37 (hg19) VCF-style: chr11-62388131-T-C.
Other names: c.74A>G, p.Asp25Gly (NM_001288721.2); c.95A>G, p.Asp32Gly (NM_001288722.2, NM_001288723.2); short protein forms D25G, D32G.
Identifiers: ClinVar variation 936692 (VCV000936692.1), dbSNP rs1943128827, ClinGen allele CA380981283.

ClinVar aggregate classification (germline): Uncertain significance (1 of 4 stars; one submission).

Conditions:
Larsen-like syndrome, B3GAT3 type. Also called: MULTIPLE JOINT DISLOCATIONS, SHORT STATURE, AND CRANIOFACIAL DYSMORPHISM WITH OR WITHOUT CONGENITAL HEART DEFECTS; Multiple joint dislocations, short stature, craniofacial dysmorphism, with or without congenital heart defects. Identifiers: Orphanet 284139, MedGen CN034159, MONDO:0009511, OMIM 245600.

Submission:

Labcorp Genetics (formerly Invitae), Labcorp
Classification: Uncertain significance for Larsen-like syndrome, B3GAT3 type. Last evaluated: 2019-09-16. Review status: criteria provided, single submitter. Criteria: Invitae Variant Classification Sherloc (09022015). Collection method: clinical testing. Allele origin: germline.
Comment: This sequence change replaces aspartic acid with glycine at codon 32 of the B3GAT3 protein (p.Asp32Gly). The aspartic acid residue is highly conserved and there is a moderate physicochemical difference between aspartic acid and glycine. This variant is not present in population databases (ExAC no frequency). This variant has not been reported in the literature in individuals with B3GAT3-related conditions. Algorithms developed to predict the effect of missense changes on protein structure and function (SIFT, PolyPhen-2, Align-GVGD) all suggest that this variant is likely to be tolerated, but these predictions have not been confirmed by published functional studies and their clinical significance is uncertain. In summary, the available evidence is currently insufficient to determine the role of this variant in disease. Therefore, it has been classified as a Variant of Uncertain Significance.